The following is an entry in ClinVar:

NM_001267550.2(TTN):c.19282A>T (p.Ser6428Cys)

Gene: TTN (titin; minus strand). Cytogenetic location: 2q31.2.
Variant type: single nucleotide variant.
Coding change: c.19282A>T on transcript NM_001267550.2 (MANE Select); coding-DNA position 19282, A replaced by T.
Protein change: p.Ser6428Cys; replaces serine 6428 with cysteine.
Molecular consequence: missense variant. On other transcripts: intron variant (3).
Genome position (GRCh38, 1-based): chr2:178,728,644, T>A on the plus strand (A>T on the coding strand, the complement: TTN is on the minus strand). VCF-style: chr2-178728644-T-A. GRCh37 (hg19) VCF-style: chr2-179593371-T-A.
Other names: c.15550A>T, p.Ser5184Cys (NM_133378.4); c.18331A>T, p.Ser6111Cys (NM_001256850.1); c.13282+9438A>T (NM_003319.4); c.13858+9438A>T (NM_133437.4); c.13657+9438A>T (NM_133432.3); short protein forms S5184C, S6428C, S6111C.
Identifiers: ClinVar variation 179801 (VCV000179801.9), dbSNP rs727505137, ClinGen allele CA185166.

ClinVar aggregate classification (germline): Uncertain significance. Review status: criteria provided, multiple submitters, no conflicts (2 of 4 stars). 2 submissions from 2 submitters: Uncertain significance (2). Last evaluated 2021-07-08.

Allele frequency attached by ClinVar (database versions not stated): gnomAD below 0.00001 and 0.00001; gnomAD exomes 0.00001; TOPMed 0.00003.
gnomAD v4.1: 5 of 1,613,224 alleles (0.00031%); highest among the groups gnomAD compares: East Asian, 0.0045%; no homozygotes.

Submissions (2):

Mayo Clinic Laboratories, Mayo Clinic
Classification: Uncertain significance. Last evaluated: 2021-07-08. Review status: criteria provided, single submitter. Criteria: ACMG Guidelines, 2015. Collection method: clinical testing. Allele origin: germline.

Laboratory for Molecular Medicine, Mass General Brigham Personalized Medicine
Classification: Uncertain significance. Last evaluated: 2014-06-30. Review status: criteria provided, single submitter. Criteria: LMM Criteria. Collection method: clinical testing. Allele origin: germline. Observed: 1 variant allele.
Comment: The Ser5184Cys variant in TTN has not been previously reported in individuals wi th cardiomyopathy or in large population studies. Computational prediction tool s and conservation analysis do not provide strong support for or against an impa ct to the protein. In summary, the clinical significance of the Ser5184Cys varia nt is uncertain.